The following is an entry in ClinVar:

NM_000090.4(COL3A1):c.3683A>C (p.Lys1228Thr)

Gene: COL3A1 (collagen type III alpha 1 chain; plus strand). Cytogenetic location: 2q32.2.
Variant type: single nucleotide variant.
Coding change: c.3683A>C on transcript NM_000090.4 (MANE Select); coding-DNA position 3683, A replaced by C.
Protein change: p.Lys1228Thr; replaces lysine 1228 with threonine.
Molecular consequence: missense variant.
Genome position (GRCh38, 1-based): chr2:189,009,081, A>C. VCF-style: chr2-189009081-A-C. GRCh37 (hg19) VCF-style: chr2-189873807-A-C.
Other names: short protein forms K1228T.
Identifiers: ClinVar variation 3072021 (VCV003072021.1), dbSNP rs2469166227, ClinGen allele CA349847097.

ClinVar aggregate classification (germline): Uncertain significance (1 of 4 stars; one submission).

Conditions:
Ehlers-Danlos syndrome, type 4 (EDSVASC). Also called: Ehlers-Danlos Syndrome Type IV; Ehlers-Danlos syndrome vascular type; Ehlers Danlos syndrome, ecchymotic type; Ehlers Danlos syndrome, arterial type; Ehlers Danlos syndrome, Sack-Barabas type. Identifiers: Orphanet 286, MedGen C0268338, MONDO:0017314, OMIM 130050.

Submission:

All of Us Research Program, National Institutes of Health
Classification: Uncertain significance for Ehlers-Danlos syndrome, type 4. Last evaluated: 2023-06-26. Review status: criteria provided, single submitter. Criteria: ACMG Guidelines, 2015. Collection method: clinical testing. Allele origin: germline. Inheritance: Autosomal dominant inheritance. Observed: 1 variant allele, 1 heterozygote.
Comment: This missense variant replaces lysine with threonine at codon 1228 of the COL3A1 protein. Computational prediction suggests that this variant may not impact protein structure and function (internally defined REVEL score threshold <= 0.5, PMID: 27666373). To our knowledge, functional studies have not been reported for this variant. This variant has not been reported in individuals affected with COL3A1-related disorders in the literature. This variant has not been identified in the general population by the Genome Aggregation Database (gnomAD). The available evidence is insufficient to determine the role of this variant in disease conclusively. Therefore, this variant is classified as a Variant of Uncertain Significance.

This study involves interpretation of variants in research participants for the purpose of population health screening. Participant phenotype was not available at the time of variant classification. Additional details can be found in publication PMID: 35346344, PMCID: PMC8962531